The following is an entry in ClinVar:

ClinVar aggregate classification (germline): Uncertain significance (1 of 4 stars; one submission).

Submission:

GeneDx
Classification: Uncertain significance. Last evaluated: 2024-08-02. Review status: criteria provided, single submitter. Criteria: GeneDx Variant Classification Process June 2021. Collection method: clinical testing. Allele origin: germline. Affected: yes.
Comment: Not observed at significant frequency in large population cohorts (gnomAD); In silico analysis supports that this missense variant has a deleterious effect on protein structure/function; Has not been previously published as pathogenic or benign to our knowledge

NM_001378183.1(PIEZO2):c.6011A>G (p.Asp2004Gly)

Gene: PIEZO2 (piezo type mechanosensitive ion channel component 2; minus strand). Cytogenetic location: 18p11.22.
Variant type: single nucleotide variant.
Coding change: c.6011A>G on transcript NM_001378183.1 (MANE Select); coding-DNA position 6011, A replaced by G.
Protein change: p.Asp2004Gly; replaces aspartic acid 2004 with glycine.
Molecular consequence: missense variant.
Genome position (GRCh38, 1-based): chr18:10,704,641, T>C on the plus strand (A>G on the coding strand, the complement: PIEZO2 is on the minus strand). VCF-style: chr18-10704641-T-C. GRCh37 (hg19) VCF-style: chr18-10704639-T-C.
Other names: c.5747A>G, p.Asp1916Gly (NM_001410871.1); c.5672A>G, p.Asp1891Gly (NM_022068.4); short protein forms D1891G, D1916G, D2004G.
Identifiers: ClinVar variation 3602159 (VCV003602159.1).